The following is an entry in ClinVar:

NM_004284.6(CHD1L):c.2312A>G (p.Lys771Arg)

Gene: CHD1L (chromodomain helicase DNA binding protein 1 like; plus strand). Cytogenetic location: 1q21.1.
Variant type: single nucleotide variant.
Coding change: c.2312A>G on transcript NM_004284.6 (MANE Select); coding-DNA position 2312, A replaced by G.
Protein change: p.Lys771Arg; replaces lysine 771 with arginine.
Molecular consequence: missense variant. On other transcripts: non-coding transcript variant (16).
Genome position (GRCh38, 1-based): chr1:147,287,725, A>G. VCF-style: chr1-147287725-A-G. GRCh37 (hg19) VCF-style: chr1-146759404-A-G.
Other names: c.2012A>G, p.Lys671Arg (NM_001256336.3); c.1469A>G, p.Lys490Arg (NM_001256337.3, NM_001348456.2, NM_001348457.2 and 9 more transcripts); c.1700A>G, p.Lys567Arg (NM_001256338.3); c.2096A>G, p.Lys699Arg (NM_001348451.2, NM_001348452.2); c.1973A>G, p.Lys658Arg (NM_001348453.2, NM_024568.4); c.1856A>G, p.Lys619Arg (NM_001348454.2); c.1823A>G, p.Lys608Arg (NM_001348455.2); short protein forms K619R, K699R, K658R, K771R, K567R, K608R, K490R, K671R.
Identifiers: ClinVar variation 4978754 (VCV004978754.1).

ClinVar aggregate classification (germline): Uncertain significance (1 of 4 stars; one submission).

Conditions:
CHD1L-related disorder. Also called: CHD1L-related condition.

gnomAD v4.1: 23 of 1,613,830 alleles (0.0014%); highest among the groups gnomAD compares: Non-Finnish European, 0.0018%; no homozygotes.

Submission:

PreventionGenetics, part of Exact Sciences
Classification: Uncertain significance for CHD1L-related condition. Last evaluated: 2025-08-27. Review status: criteria provided, single submitter. Criteria: ACMG Guidelines, 2015. Collection method: clinical testing. Allele origin: germline.
Comment: The CHD1L c.2312A>G variant is predicted to result in the amino acid substitution p.Lys771Arg. To our knowledge, this variant has not been reported in the literature. This variant is reported in 0.0053% of alleles in individuals of European (non-Finnish) descent in gnomAD. At this time, the clinical significance of this variant is uncertain due to the absence of conclusive functional and genetic evidence.